The following is an entry in ClinVar:

ClinVar aggregate classification (germline): Likely benign. Review status: criteria provided, multiple submitters, no conflicts (2 of 4 stars). 3 submissions from 3 submitters: Likely benign (3). Last evaluated 2025-04-29.

Conditions:
Episodic ataxia type 2 (EA2). Also called: ATAXIA, EPISODIC, WITH NYSTAGMUS; ATAXIA, FAMILIAL PAROXYSMAL; CEREBELLAR ATAXIA, PAROXYSMAL, ACETAZOLAMIDE-RESPONSIVE; CEREBELLOPATHY, HEREDITARY PAROXYSMAL; EPISODIC ATAXIA, NYSTAGMUS-ASSOCIATED; ACETAZOLAMIDE-RESPONSIVE HEREDITARY PAROXYSMAL CEREBELLAR ATAXIA. Identifiers: Orphanet 97, MedGen C1720416, MONDO:0007163, OMIM 108500.
Developmental and epileptic encephalopathy, 42 (DEE42A). Also called: Epileptic encephalopathy, early infantile, 42; DEVELOPMENTAL AND EPILEPTIC ENCEPHALOPATHY 42A; EPILEPTIC ENCEPHALOPATHY, EARLY INFANTILE, 42A. Identifiers: MedGen C4310716, MONDO:0014917, OMIM 617106.

Allele frequency attached by ClinVar (database versions not stated): TOPMed 0.00004; gnomAD 0.00005; gnomAD exomes 0.00005 and 0.00007; ExAC 0.00009.

Submissions (3):

Labcorp Genetics (formerly Invitae), Labcorp
Classification: Likely benign for Developmental and epileptic encephalopathy, 42; Episodic ataxia type 2. Last evaluated: 2025-04-29. Review status: criteria provided, single submitter. Criteria: Invitae Variant Classification Sherloc (09022015). Collection method: clinical testing. Allele origin: germline.

Blueprint Genetics
Classification: Likely benign. Last evaluated: 2024-05-27. Review status: criteria provided, single submitter. Criteria: ACMG Guidelines, 2015. Collection method: clinical testing. Allele origin: germline.

CeGaT Center for Human Genetics Tuebingen
Classification: Likely benign. Last evaluated: 2023-11-01. Review status: criteria provided, single submitter. Criteria: CeGaT Center For Human Genetics Tuebingen Variant Classification Criteria Version 2. Collection method: clinical testing. Allele origin: germline. Affected: yes. Observed: 3 variant alleles.
Comment: CACNA1A: BP4, BP7

NM_001127222.2(CACNA1A):c.105C>T (p.Gly35=)

Gene: CACNA1A (calcium voltage-gated channel subunit alpha1 A; minus strand). Cytogenetic location: 19p13.13.
Variant type: single nucleotide variant.
Coding change: c.105C>T on transcript NM_001127222.2 (MANE Select); coding-DNA position 105, C replaced by T.
Protein change: p.Gly35=; no amino-acid change (glycine 35 retained).
Molecular consequence: synonymous variant.
Genome position (GRCh38, 1-based): chr19:13,506,120, G>A on the plus strand (C>T on the coding strand, the complement: CACNA1A is on the minus strand). VCF-style: chr19-13506120-G-A. GRCh37 (hg19) VCF-style: chr19-13616934-G-A.
Other names: c.105C>T, p.Gly35= (NM_000068.4, NM_001127221.2, NM_001174080.2 and 1 more transcripts).
Identifiers: ClinVar variation 808485 (VCV000808485.48), dbSNP rs745876675, ClinGen allele CA9241099.
Genomic context (GRCh38, chr19:13,506,120, plus strand): 5'-TCTCTGCGCCATTGACTGCTTGTACATCCTTTGCGCCCCGGGCTGCCCGCCCTGCCGGCT[G>A]CCCCCGGCTCCTCGCCCGCCTCCGCTGCCCACGACCACCCCGGCGGCTGCCCCGGAGCCT-3'
Protein context (NP_001120694.1, residues 25-45): VGSGGGRGAG[Gly35=]SRQGGQPGAQ